The following is an entry in ClinVar:

NM_001972.4(ELANE):c.264C>A (p.Asn88Lys)

Gene: ELANE (elastase, neutrophil expressed; plus strand). Cytogenetic location: 19p13.3.
Variant type: single nucleotide variant.
Coding change: c.264C>A on transcript NM_001972.4 (MANE Select); coding-DNA position 264, C replaced by A.
Protein change: p.Asn88Lys; replaces asparagine 88 with lysine.
Molecular consequence: missense variant.
Genome position (GRCh38, 1-based): chr19:853,301, C>A. VCF-style: chr19-853301-C-A. GRCh37 (hg19) VCF-style: chr19-853301-C-A.
Other names: c.264C>A (NM_001972.2); short protein forms N88K.
Identifiers: ClinVar variation 1061917 (VCV001061917.12), dbSNP rs766647358, ClinGen allele CA402915888.
Genomic context (GRCh38, chr19:853,301, plus strand): 5'-CCGCCTCTCCCTCCCCGGCAGAAACGTCCGCGCGGTGCGGGTGGTCCTGGGAGCCCATAA[C>A]CTCTCGCGGCGGGAGCCCACCCGGCAGGTGTTCGCCGTGCAGCGCATCTTCGAAAACGGC-3'
Protein context (NP_001963.1, residues 78-98): RAVRVVLGAH[Asn88Lys]LSRREPTRQV

ClinVar aggregate classification (germline): Uncertain significance. Review status: criteria provided, multiple submitters, no conflicts (2 of 4 stars). 2 submissions from 2 submitters: Uncertain significance (2). Last evaluated 2022-12-21.

Conditions:
Neutropenia, severe congenital, 1, autosomal dominant. Identifiers: MedGen C1859966, MONDO:0042490, OMIM 202700.
Cyclical neutropenia. Also called: Cyclic Neutropenia; Cyclic hematopoiesis. Identifiers: Orphanet 2686, MedGen C0221023, MONDO:0008090, OMIM 162800, HP:0040289. Disease mechanism: loss of function.
Inborn genetic diseases. Identifiers: MedGen C0950123, MeSH D030342.

Submissions (2):

Ambry Genetics
Classification: Uncertain significance for Inborn genetic diseases. Last evaluated: 2022-12-21. Review status: criteria provided, single submitter. Criteria: Ambry Variant Classification Scheme 2023. Collection method: clinical testing. Allele origin: germline.

Labcorp Genetics (formerly Invitae), Labcorp
Classification: Uncertain significance for Neutropenia, severe congenital, 1, autosomal dominant; Cyclical neutropenia. Last evaluated: 2020-10-11. Review status: criteria provided, single submitter. Criteria: Invitae Variant Classification Sherloc (09022015). Collection method: clinical testing. Allele origin: germline.
Comment: This sequence change replaces asparagine with lysine at codon 88 of the ELANE protein (p.Asn88Lys). The asparagine residue is weakly conserved and there is a moderate physicochemical difference between asparagine and lysine. This variant is not present in population databases (ExAC no frequency). This variant has not been reported in the literature in individuals with ELANE-related conditions. Algorithms developed to predict the effect of missense changes on protein structure and function are either unavailable or do not agree on the potential impact of this missense change (SIFT: "Tolerated"; PolyPhen-2: "Possibly Damaging"; Align-GVGD: "Class C0"). In summary, the available evidence is currently insufficient to determine the role of this variant in disease. Therefore, it has been classified as a Variant of Uncertain Significance.